The following is an entry in ClinVar:

NM_014905.5(GLS):c.286C>T (p.Pro96Ser)

Genes: GLS (glutaminase; plus strand), LOC129935270 (ATAC-STARR-seq lymphoblastoid silent region 12188; plus strand). Cytogenetic location: 2q32.2.
Variant type: single nucleotide variant.
Coding change: c.286C>T on transcript NM_014905.5 (MANE Select); coding-DNA position 286, C replaced by T.
Protein change: p.Pro96Ser; replaces proline 96 with serine.
Molecular consequence: missense variant.
Genome position (GRCh38, 1-based): chr2:190,881,370, C>T. VCF-style: chr2-190881370-C-T. GRCh37 (hg19) VCF-style: chr2-191746096-C-T.
Other names: c.286C>T, p.Pro96Ser (NM_001256310.2); short protein forms P96S.
Identifiers: ClinVar variation 2634709 (VCV002634709.1), dbSNP rs889058089, ClinGen allele CA62669965.

ClinVar aggregate classification (germline): Uncertain significance (1 of 4 stars; one submission).

Conditions:
GLS-related disorder. Also called: GLS-related condition.

Allele frequency attached by ClinVar (database versions not stated): gnomAD 0.00002; gnomAD exomes 0.00005; TOPMed 0.00005.

Submission:

PreventionGenetics, part of Exact Sciences
Classification: Uncertain significance for GLS-related condition. Last evaluated: 2023-09-29. Review status: criteria provided, single submitter. Criteria: ACMG Guidelines, 2015. Collection method: clinical testing. Allele origin: germline.
Comment: The GLS c.286C>T variant is predicted to result in the amino acid substitution p.Pro96Ser. To our knowledge, this variant has not been reported in the literature. This variant is reported in 0.10% of alleles in individuals of Latino descent in gnomAD (including one homozygote). Although we suspect that this variant may be benign, at this time, the clinical significance of this variant is uncertain due to the absence of conclusive functional and genetic evidence.